The following is an entry in ClinVar:

NM_003072.5(SMARCA4):c.3733G>A (p.Ala1245Thr)

Gene: SMARCA4 (SWI/SNF related BAF chromatin remodeling complex subunit ATPase 4; plus strand). Cytogenetic location: 19p13.2.
Variant type: single nucleotide variant.
Coding change: c.3733G>A on transcript NM_003072.5 (MANE Select); coding-DNA position 3733, G replaced by A.
Protein change: p.Ala1245Thr; replaces alanine 1245 with threonine.
Molecular consequence: missense variant. On other transcripts: non-coding transcript variant (1).
Genome position (GRCh38, 1-based): chr19:11,033,476, G>A. VCF-style: chr19-11033476-G-A. GRCh37 (hg19) VCF-style: chr19-11144152-G-A.
Other names: c.3733G>A, p.Ala1245Thr (NM_001128844.3, NM_001128845.2, NM_001128846.2 and 5 more transcripts); short protein forms A1245T.
Identifiers: ClinVar variation 644384 (VCV000644384.11), dbSNP rs1600390635, ClinGen allele CA404066025.
Genomic context (GRCh38, chr19:11,033,476, plus strand): 5'-GACCAGAAGGTGATCCAGGCCGGCATGTTCGACCAGAAGTCCTCCAGCCATGAGCGGCGC[G>A]CCTTCCTGCAGGCCATCCTGGAGCACGAGGAGCAGGATGAGGTGAGCCCAGCACCGGCCC-3'
Protein context (NP_003063.2, residues 1235-1255): DQKSSSHERR[Ala1245Thr]FLQAILEHEE

ClinVar aggregate classification (germline): Uncertain significance. Review status: criteria provided, multiple submitters, no conflicts (2 of 4 stars). 2 submissions from 2 submitters: Uncertain significance (2). Last evaluated 2022-03-14.

Conditions:
Hereditary cancer-predisposing syndrome. Also called: Neoplastic Syndromes, Hereditary; Tumor predisposition; Hereditary neoplastic syndrome; Hereditary Cancer Syndrome. Identifiers: Orphanet 140162, MedGen C0027672, MeSH D009386, MONDO:0015356.
Rhabdoid tumor predisposition syndrome 2 (RTPS2). Identifiers: Orphanet 231108, Orphanet 69077, MedGen C2750074, MONDO:0013224, OMIM 613325.

Allele frequency attached by ClinVar (database versions not stated): TOPMed below 0.00001.

Submissions (2):

Labcorp Genetics (formerly Invitae), Labcorp
Classification: Uncertain significance for Rhabdoid tumor predisposition syndrome 2. Last evaluated: 2022-03-14. Review status: criteria provided, single submitter. Criteria: Invitae Variant Classification Sherloc (09022015). Collection method: clinical testing. Allele origin: germline.
Comment: In summary, the available evidence is currently insufficient to determine the role of this variant in disease. Therefore, it has been classified as a Variant of Uncertain Significance. Algorithms developed to predict the effect of missense changes on protein structure and function are either unavailable or do not agree on the potential impact of this missense change (SIFT: "Deleterious"; PolyPhen-2: "Benign"; Align-GVGD: "Class C0"). ClinVar contains an entry for this variant (Variation ID: 644384). This variant has not been reported in the literature in individuals affected with SMARCA4-related conditions. This variant is not present in population databases (gnomAD no frequency). This sequence change replaces alanine, which is neutral and non-polar, with threonine, which is neutral and polar, at codon 1245 of the SMARCA4 protein (p.Ala1245Thr).

Ambry Genetics
Classification: Uncertain significance for Hereditary cancer-predisposing syndrome. Last evaluated: 2020-05-15. Review status: criteria provided, single submitter. Criteria: Ambry Variant Classification Scheme 2023. Collection method: clinical testing. Allele origin: germline.
Comment: The p.A1245T variant (also known as c.3733G>A), located in coding exon 25 of the SMARCA4 gene, results from a G to A substitution at nucleotide position 3733. The alanine at codon 1245 is replaced by threonine, an amino acid with similar properties. This amino acid position is highly conserved in available vertebrate species. In addition, the in silico prediction for this alteration is inconclusive. Since supporting evidence is limited at this time, the clinical significance of this alteration remains unclear.